The following is an entry in ClinVar:

ClinVar aggregate classification (germline): Uncertain significance. Review status: criteria provided, multiple submitters, no conflicts (2 of 4 stars). 4 submissions from 4 submitters: Uncertain significance (4). Last evaluated 2025-05-30.

Conditions:
Cardiovascular phenotype. Identifiers: MedGen CN230736.
Cardiac arrhythmia. Also called: Arrhythmia; Cardiac rhythm disease. Identifiers: MedGen C0003811, MONDO:0007263, HP:0011675.
Long QT syndrome (LQTS). Identifiers: MedGen C0023976, MeSH D008133, MONDO:0002442. Disease mechanism: loss of function. Inheritance: Various modes of inheritance.

Allele frequency attached by ClinVar (database versions not stated): gnomAD exomes below 0.00001; TOPMed 0.00001; gnomAD 0.00003 and 0.00004.
gnomAD v4.1: 9 of 1,614,058 alleles (0.00056%); highest among the groups gnomAD compares: East Asian, 0.0022%; no homozygotes.

Submissions (4):

Labcorp Genetics (formerly Invitae), Labcorp
Classification: Uncertain significance for Long QT syndrome. Last evaluated: 2025-05-30. Review status: criteria provided, single submitter. Criteria: Invitae Variant Classification Sherloc (09022015). Collection method: clinical testing. Allele origin: germline.
Comment: This sequence change replaces arginine, which is basic and polar, with tryptophan, which is neutral and slightly polar, at codon 679 of the KCNH2 protein (p.Arg679Trp). This variant is present in population databases (rs79624542, gnomAD 0.1%). This variant has not been reported in the literature in individuals affected with KCNH2-related conditions. ClinVar contains an entry for this variant (Variation ID: 581266). An algorithm developed to predict the effect of missense changes on protein structure and function (PolyPhen-2) suggests that this variant is likely to be disruptive. In summary, the available evidence is currently insufficient to determine the role of this variant in disease. Therefore, it has been classified as a Variant of Uncertain Significance.

Ambry Genetics
Classification: Uncertain significance for Cardiovascular phenotype. Last evaluated: 2025-03-25. Review status: criteria provided, single submitter. Criteria: Ambry Variant Classification Scheme 2023. Collection method: clinical testing. Allele origin: germline.
Comment: The p.R679W variant (also known as c.2035C>T), located in coding exon 8 of the KCNH2 gene, results from a C to T substitution at nucleotide position 2035. The arginine at codon 679 is replaced by tryptophan, an amino acid with dissimilar properties. This amino acid position is highly conserved in available vertebrate species. In addition, this alteration is predicted to be deleterious by in silico analysis. Based on data from gnomAD, the frequency for this variant is above the maximum credible frequency for a disease-causing variant in this gene based on internally established thresholds (Karczewski et al. Nature. 2020 May;581(7809):434-443; Whiffin et al. Genet Med. 2017 10;19:1151-1158). Based on the available evidence, the clinical significance of this variant remains unclear.

Color Diagnostics, LLC DBA Color Health
Classification: Uncertain significance for Cardiac arrhythmia. Last evaluated: 2024-03-06. Review status: criteria provided, single submitter. Criteria: ACMG Guidelines, 2015. Collection method: clinical testing. Allele origin: germline.
Comment: This missense variant replaces arginine with tryptophan at codon 679 of the KCNH2 protein. Computational prediction suggests that this variant may have deleterious impact on protein structure and function (internally defined REVEL score threshold >= 0.7, PMID: 27666373). To our knowledge, functional studies have not been reported for this variant. This variant has not been reported in individuals affected with cardiovascular disorders in the literature. This variant has been identified in 5/31392 chromosomes in the general population by the Genome Aggregation Database (gnomAD). The available evidence is insufficient to determine the role of this variant in disease conclusively. Therefore, this variant is classified as a Variant of Uncertain Significance.

All of Us Research Program, National Institutes of Health
Classification: Uncertain significance for Long QT syndrome. Last evaluated: 2023-08-23. Review status: criteria provided, single submitter. Criteria: ACMG Guidelines, 2015. Collection method: clinical testing. Allele origin: germline. Inheritance: Autosomal dominant inheritance. Observed: 2 variant alleles, 2 heterozygotes.
Comment: This missense variant replaces arginine with tryptophan at codon 679 of the KCNH2 protein. Computational prediction suggests that this variant may have deleterious impact on protein structure and function (internally defined REVEL score threshold >= 0.7, PMID: 27666373). To our knowledge, functional studies have not been reported for this variant. This variant has not been reported in individuals affected with cardiovascular disorders in the literature. This variant has been identified in 5/31392 chromosomes in the general population by the Genome Aggregation Database (gnomAD). The available evidence is insufficient to determine the role of this variant in disease conclusively. Therefore, this variant is classified as a Variant of Uncertain Significance.

This study involves interpretation of variants in research participants for the purpose of population health screening. Participant phenotype was not available at the time of variant classification. Additional details can be found in publication PMID: 35346344, PMCID: PMC8962531

NM_000238.4(KCNH2):c.2035C>T (p.Arg679Trp)

Gene: KCNH2 (potassium voltage-gated channel subfamily H member 2; minus strand). Cytogenetic location: 7q36.1.
Variant type: single nucleotide variant.
Coding change: c.2035C>T on transcript NM_000238.4 (MANE Select); coding-DNA position 2035, C replaced by T.
Protein change: p.Arg679Trp; replaces arginine 679 with tryptophan.
Molecular consequence: missense variant.
Genome position (GRCh38, 1-based): chr7:150,951,031, G>A on the plus strand (C>T on the coding strand, the complement: KCNH2 is on the minus strand). VCF-style: chr7-150951031-G-A. GRCh37 (hg19) VCF-style: chr7-150648119-G-A.
Other names: c.1015C>T, p.Arg339Trp (NM_001204798.2, NM_172057.3); c.1747C>T, p.Arg583Trp (NM_001406753.1, NM_001406756.1); c.1858C>T, p.Arg620Trp (NM_001406755.1); c.1735C>T, p.Arg579Trp (NM_001406757.1); c.2035C>T, p.Arg679Trp (NM_172056.3); short protein forms R679W, R339W, R579W, R583W, R620W.
Identifiers: ClinVar variation 581266 (VCV000581266.14), dbSNP rs79624542, ClinGen allele CA169076251.
Genomic context (GRCh38, chr7:150,951,031, plus strand): 5'-CCTCGAGGCGCTGGCGCAGGGGATTGGGGATCTGGTGGAAGCGGATGAACTCCCGCACCC[G>A]CAGCATCTGTGTGTGGTAGCGGGCTGTGCCCGAGTACAGCCGCTGGATGATGGCCGACAC-3'
Protein context (NP_000229.1, residues 669-689): GTARYHTQML[Arg679Trp]VREFIRFHQI